The following is an entry in ClinVar:

ClinVar aggregate classification (germline): Uncertain significance (1 of 4 stars; one submission).

Submission:

Labcorp Genetics (formerly Invitae), Labcorp
Classification: Uncertain significance. Last evaluated: 2024-03-20. Review status: criteria provided, single submitter. Criteria: Invitae Variant Classification Sherloc (09022015). Collection method: clinical testing. Allele origin: germline.
Comment: This sequence change replaces leucine, which is neutral and non-polar, with proline, which is neutral and non-polar, at codon 849 of the POLE protein (p.Leu849Pro). This variant is not present in population databases (gnomAD no frequency). This variant has not been reported in the literature in individuals affected with POLE-related conditions. Advanced modeling of protein sequence and biophysical properties (such as structural, functional, and spatial information, amino acid conservation, physicochemical variation, residue mobility, and thermodynamic stability) performed at Invitae indicates that this missense variant is expected to disrupt POLE protein function with a positive predictive value of 80%. In summary, the available evidence is currently insufficient to determine the role of this variant in disease. Therefore, it has been classified as a Variant of Uncertain Significance.

NM_006231.4(POLE):c.2546T>C (p.Leu849Pro)

Gene: POLE (DNA polymerase epsilon, catalytic subunit; minus strand). Cytogenetic location: 12q24.33.
Variant type: single nucleotide variant.
Coding change: c.2546T>C on transcript NM_006231.4 (MANE Select); coding-DNA position 2546, T replaced by C.
Protein change: p.Leu849Pro; replaces leucine 849 with proline.
Molecular consequence: missense variant.
Genome position (GRCh38, 1-based): chr12:132,664,385, A>G on the plus strand (T>C on the coding strand, the complement: POLE is on the minus strand). VCF-style: chr12-132664385-A-G. GRCh37 (hg19) VCF-style: chr12-133240971-A-G.
Other names: short protein forms L849P.
Identifiers: ClinVar variation 3665084 (VCV003665084.2).
Genomic context (GRCh38, chr12:132,664,385, plus strand): 5'-CCCCAGGACCTGCTCCCAGCCCCACGGCTCCCCTTCTGCACTCACCCAATCTGCTCGATC[A>G]GCTCCCGTGCCTGGGTGATGATGTTGGCCCCTGTGAAGCAGACGATGCCAGCCATCTCCA-3'
Protein context (NP_006222.2, residues 839-859): GANIITQARE[Leu849Pro]IEQIGRPLEL